The following is an entry in ClinVar:

ClinVar aggregate classification (germline): Uncertain significance (1 of 4 stars; one submission).

Submission:

GeneDx
Classification: Uncertain significance. Last evaluated: 2018-05-17. Review status: criteria provided, single submitter. Criteria: GeneDx Variant Classification (06012015). Collection method: clinical testing. Allele origin: germline. Affected: yes.
Comment: The c.2770_2771delCCinsG variant in the KCNT1 gene has not been reported previously as a pathogenic variant nor as a benign variant, to our knowledge. This variant causes a frameshift starting with codon Proline 924, changes this amino acid to a Valine residue, and creates a premature Stop codon at position 22 of the new reading frame, denoted p.Pro924ValfsX22. This variant is predicted to cause loss of normal protein function either through protein truncation or nonsense-mediated mRNA decay. The c.2770_2771delCCinsG variant is not observed in large population cohorts (Lek et al., 2016). We interpret c.2770_2771delCCinsG as a variant of uncertain significance.

NM_020822.3(KCNT1):c.2770_2771delinsG (p.Pro924fs)

Gene: KCNT1 (potassium sodium-activated channel subfamily T member 1; plus strand). Cytogenetic location: 9q34.3.
Variant type: Indel.
Coding change: c.2770_2771delinsG on transcript NM_020822.3 (MANE Select); coding-DNA positions 2770 to 2771, CC replaced by G.
Protein change: p.Pro924fs; shifts the reading frame from proline 924.
Molecular consequence: frameshift variant.
Genome position (GRCh38, 1-based): chr9:135,779,399-135,779,400, CC replaced by G. VCF-style: chr9-135779399-CC-G. GRCh37 (hg19) VCF-style: chr9-138671245-CC-G.
Other names: c.2635_2636delinsG, p.Pro879fs (NM_001272003.2); short protein forms P879fs, P924fs.
Identifiers: ClinVar variation 546360 (VCV000546360.2), dbSNP rs1554778336, ClinGen allele CA658821715.